The following is an entry in ClinVar:

NM_000059.4(BRCA2):c.5388dup (p.Ala1797fs)

Gene: BRCA2 (BRCA2 DNA repair associated; plus strand). Cytogenetic location: 13q13.1.
Variant type: Duplication.
Coding change: c.5388dup on transcript NM_000059.4 (MANE Select); coding-DNA position 5388, one base duplicated (T; older notation c.5388dupT).
Protein change: p.Ala1797fs; shifts the reading frame from alanine 1797.
Molecular consequence: frameshift variant.
Genome position (GRCh38, 1-based): chr13:32,339,743, T duplicated. VCF-style (leftmost placement, unchanged base first): chr13-32339742-A-AT. GRCh37 (hg19) VCF-style: chr13-32913879-A-AT.
Other names: c.5388dupT (NM_000059.3); short protein forms A1797fs.
Identifiers: ClinVar variation 576419 (VCV000576419.7), dbSNP rs1566232365, ClinGen allele CA891844235.

ClinVar aggregate classification (germline): Pathogenic (1 of 4 stars; one submission).

Conditions:
Hereditary breast ovarian cancer syndrome. Also called: Hereditary breast and ovarian cancer; Breast and ovarian cancer; Hereditary breast and ovarian cancer syndrome; BRCA1- and BRCA2-Associated Hereditary Breast and Ovarian Cancer; Hereditary breast and/or ovarian cancer syndrome; Hereditary breast and ovarian cancer syndrome (HBOC). Identifiers: Orphanet 145, MedGen C0677776, MeSH D061325, MONDO:0003582. Disease mechanism: loss of function.

Submission:

Labcorp Genetics (formerly Invitae), Labcorp
Classification: Pathogenic for Hereditary breast ovarian cancer syndrome. Last evaluated: 2018-01-23. Review status: criteria provided, single submitter. Criteria: Invitae Variant Classification Sherloc (09022015). Collection method: clinical testing. Allele origin: germline.
Comment: Loss-of-function variants in BRCA2 are known to be pathogenic (PMID: 20104584). For these reasons, this variant has been classified as Pathogenic. This sequence change creates a premature translational stop signal (p.Ala1797Cysfs*10) in the BRCA2 gene. It is expected to result in an absent or disrupted protein product. This variant is not present in population databases (ExAC no frequency). This variant has not been reported in the literature in individuals with BRCA2-related disease.

Literature cited by the submitters: PubMed 20104584.